The following is an entry in ClinVar:

NM_001199799.2(ILDR1):c.763C>T (p.Pro255Ser)

Gene: ILDR1 (immunoglobulin like domain containing receptor 1; minus strand). Cytogenetic location: 3q13.33.
Variant type: single nucleotide variant.
Coding change: c.763C>T on transcript NM_001199799.2 (MANE Select); coding-DNA position 763, C replaced by T.
Protein change: p.Pro255Ser; replaces proline 255 with serine.
Molecular consequence: missense variant. On other transcripts: intron variant (1).
Genome position (GRCh38, 1-based): chr3:121,994,197, G>A on the plus strand (C>T on the coding strand, the complement: ILDR1 is on the minus strand). VCF-style: chr3-121994197-G-A. GRCh37 (hg19) VCF-style: chr3-121713044-G-A.
Other names: c.496C>T, p.Pro166Ser (NM_001199800.2); c.647-227C>T (NM_175924.4); c.763C>T (NM_001199799.1); short protein forms P255S, P166S.
Identifiers: ClinVar variation 1404288 (VCV001404288.11), dbSNP rs1015996041, ClinGen allele CA82735831.
Genomic context (GRCh38, chr3:121,994,197, plus strand): 5'-CTTGCCCTCTGCCCTCCCCTATCCCAAATCTCTGGAAGAGTTTACCTCGCTGCAGCAGCG[G>A]GTGCATTGGATAAGATGAAACCTGGGAGCTCCTGTCCGCCCCCCAGTACAGGGGTTTTCC-3'
Protein context (NP_001186728.1, residues 245-265): SSQVSSYPMH[Pro255Ser]LLQRDLSLPS

ClinVar aggregate classification (germline): Uncertain significance. Review status: criteria provided, multiple submitters, no conflicts (2 of 4 stars). 4 submissions from 4 submitters: Uncertain significance (4). Last evaluated 2026-02-25.

Conditions:
Inborn genetic diseases. Identifiers: MedGen C0950123, MeSH D030342.

gnomAD v4.1: 10 of 1,536,090 alleles (0.00065%); highest among the groups gnomAD compares: Admixed American, 0.0039%; no homozygotes.

Submissions (4):

GeneDx
Classification: Uncertain significance. Last evaluated: 2026-02-25. Review status: criteria provided, single submitter. Criteria: GeneDx Variant Classification Process June 2021. Collection method: clinical testing. Allele origin: germline.
Comment: In silico analysis supports that this missense variant has a deleterious effect on protein structure/function; Has not been previously published as pathogenic or benign to our knowledge

Labcorp Genetics (formerly Invitae), Labcorp
Classification: Uncertain significance. Last evaluated: 2025-01-06. Review status: criteria provided, single submitter. Criteria: Invitae Variant Classification Sherloc (09022015). Collection method: clinical testing. Allele origin: germline.
Comment: This sequence change replaces proline, which is neutral and non-polar, with serine, which is neutral and polar, at codon 255 of the ILDR1 protein (p.Pro255Ser). This variant is present in population databases (no rsID available, gnomAD no frequency). This variant has not been reported in the literature in individuals affected with ILDR1-related conditions. ClinVar contains an entry for this variant (Variation ID: 1404288). An algorithm developed to predict the effect of missense changes on protein structure and function (PolyPhen-2) suggests that this variant is likely to be disruptive. In summary, the available evidence is currently insufficient to determine the role of this variant in disease. Therefore, it has been classified as a Variant of Uncertain Significance.

Blueprint Genetics
Classification: Uncertain significance. Last evaluated: 2024-11-06. Review status: criteria provided, single submitter. Criteria: ACMG Guidelines, 2015. Collection method: clinical testing. Allele origin: germline.

Ambry Genetics
Classification: Uncertain significance for Inborn genetic diseases. Last evaluated: 2021-11-29. Review status: criteria provided, single submitter. Criteria: Ambry Variant Classification Scheme 2023. Collection method: clinical testing. Allele origin: germline.